The following is an entry in ClinVar:

NM_000234.3(LIG1):c.1663C>G (p.Leu555Val)

Gene: LIG1 (DNA ligase 1; minus strand). Cytogenetic location: 19q13.33.
Variant type: single nucleotide variant.
Coding change: c.1663C>G on transcript NM_000234.3 (MANE Select); coding-DNA position 1663, C replaced by G.
Protein change: p.Leu555Val; replaces leucine 555 with valine.
Molecular consequence: missense variant. On other transcripts: non-coding transcript variant (6).
Genome position (GRCh38, 1-based): chr19:48,133,044, G>C on the plus strand (C>G on the coding strand, the complement: LIG1 is on the minus strand). VCF-style: chr19-48133044-G-C. GRCh37 (hg19) VCF-style: chr19-48636301-G-C.
Other names: c.1570C>G, p.Leu524Val (NM_001289063.2); c.1459C>G, p.Leu487Val (NM_001289064.2); c.1660C>G, p.Leu554Val (NM_001320970.2); c.1573C>G, p.Leu525Val (NM_001320971.2); short protein forms L524V, L525V, L487V, L554V, L555V.
Identifiers: ClinVar variation 1376593 (VCV001376593.6), dbSNP rs781077292, ClinGen allele CA9546752.
Genomic context (GRCh38, chr19:48,133,044, plus strand): 5'-GTGCCCTCTGCCCGTCATATTTGTATTCGCAGGTGAAAGCTGCCTCCTCAAAGCGTTTCA[G>C]GACCTCGCTGATGCCCCGGGTGGGATGGGCCAACATTGGTTTCAGGGGAATCCCTGGGAA-3'
Protein context (NP_000225.1, residues 545-565): AHPTRGISEV[Leu555Val]KRFEEAAFTC

ClinVar aggregate classification (germline): Uncertain significance (1 of 4 stars; one submission).

Allele frequency attached by ClinVar (database versions not stated): gnomAD exomes below 0.00001; ExAC 0.00001; gnomAD 0.00001; TOPMed 0.00001.
gnomAD v4.1: 5 of 1,614,074 alleles (0.00031%); highest among the groups gnomAD compares: African/African-American, 0.0013%; no homozygotes.

Submission:

Labcorp Genetics (formerly Invitae), Labcorp
Classification: Uncertain significance. Last evaluated: 2020-12-13. Review status: criteria provided, single submitter. Criteria: Invitae Variant Classification Sherloc (09022015). Collection method: clinical testing. Allele origin: germline.
Comment: In summary, the available evidence is currently insufficient to determine the role of this variant in disease. Therefore, it has been classified as a Variant of Uncertain Significance. Algorithms developed to predict the effect of missense changes on protein structure and function are either unavailable or do not agree on the potential impact of this missense change (SIFT: "Deleterious"; PolyPhen-2: "Probably Damaging"; Align-GVGD: "Class C0"). This variant has not been reported in the literature in individuals with LIG1-related conditions. This variant is present in population databases (rs781077292, ExAC 0.001%). This sequence change replaces leucine with valine at codon 555 of the LIG1 protein (p.Leu555Val). The leucine residue is highly conserved and there is a small physicochemical difference between leucine and valine.